The following is an entry in ClinVar:

ClinVar aggregate classification (germline): Uncertain significance (1 of 4 stars; one submission).

Conditions:
Hereditary cancer-predisposing syndrome. Also called: Neoplastic Syndromes, Hereditary; Tumor predisposition; Hereditary Cancer Syndrome; Hereditary neoplastic syndrome. Identifiers: Orphanet 140162, MedGen C0027672, MeSH D009386, MONDO:0015356.

Submission:

Ambry Genetics
Classification: Uncertain significance for Hereditary cancer-predisposing syndrome. Last evaluated: 2022-05-26. Review status: criteria provided, single submitter. Criteria: Ambry Variant Classification Scheme 2023. Collection method: clinical testing. Allele origin: germline.
Comment: The p.S977I variant (also known as c.2930G>T), located in coding exon 17 of the RET gene, results from a G to T substitution at nucleotide position 2930. The serine at codon 977 is replaced by isoleucine, an amino acid with dissimilar properties. This amino acid position is conserved. In addition, this alteration is predicted to be deleterious by in silico analysis. Since supporting evidence is limited at this time, the clinical significance of this alteration remains unclear.

NM_020975.6(RET):c.2930G>T (p.Ser977Ile)

Gene: RET (ret proto-oncogene; plus strand). Cytogenetic location: 10q11.21.
Variant type: single nucleotide variant.
Coding change: c.2930G>T on transcript NM_020975.6 (MANE Select); coding-DNA position 2930, G replaced by T.
Protein change: p.Ser977Ile; replaces serine 977 with isoleucine.
Molecular consequence: missense variant.
Genome position (GRCh38, 1-based): chr10:43,123,799, G>T. VCF-style: chr10-43123799-G-T. GRCh37 (hg19) VCF-style: chr10-43619247-G-T.
Other names: c.2204G>T, p.Ser735Ile (NM_001406776.1, NM_001406777.1, NM_001406778.1 and 1 more transcripts); c.2033G>T, p.Ser678Ile (NM_001406779.1, NM_001406780.1, NM_001406781.1 and 1 more transcripts); c.1904G>T, p.Ser635Ile (NM_001406783.1, NM_001406786.1); c.1940G>T, p.Ser647Ile (NM_001406784.1); c.1913G>T, p.Ser638Ile (NM_001406785.1); c.1898G>T, p.Ser633Ile (NM_001406787.1); c.1745G>T, p.Ser582Ile (NM_001406788.1, NM_001406789.1, NM_001406790.1); c.1625G>T, p.Ser542Ile (NM_001406791.1); and 10 more; short protein forms S831I, S932I, S633I, S635I, S494I, S542I, S638I, S647I.
Identifiers: ClinVar variation 1797815 (VCV001797815.2), dbSNP rs1241725166, ClinGen allele CA376557988.